The following is an entry in ClinVar:

ClinVar aggregate classification (germline): Uncertain significance. Review status: criteria provided, multiple submitters, no conflicts (2 of 4 stars). 6 submissions from 6 submitters: Uncertain significance (6). Last evaluated 2025-09-29.

Conditions:
Aortic aneurysm, familial thoracic 4 (AAT4). Also called: AORTIC ANEURYSM/AORTIC DISSECTION AND PATENT DUCTUS ARTERIOSUS. Identifiers: MedGen C1851504, MONDO:0007568, OMIM 132900.
Familial thoracic aortic aneurysm and aortic dissection (TAAD). Also called: Thoracic aortic aneurysms and dissections. Identifiers: Orphanet 91387, MedGen C4707243, MONDO:0019625.

Allele frequency attached by ClinVar (database versions not stated): gnomAD 0.00001; gnomAD exomes 0.00001; TOPMed 0.00001.
gnomAD v4.1: 9 of 1,614,078 alleles (0.00056%); highest among the groups gnomAD compares: Non-Finnish European, 0.00059%; no homozygotes.

Submissions (6):

Labcorp Genetics (formerly Invitae), Labcorp
Classification: Uncertain significance for Aortic aneurysm, familial thoracic 4. Last evaluated: 2025-09-29. Review status: criteria provided, single submitter. Criteria: Invitae Variant Classification Sherloc (09022015). Collection method: clinical testing. Allele origin: germline.
Comment: This sequence change replaces alanine, which is neutral and non-polar, with threonine, which is neutral and polar, at codon 1518 of the MYH11 protein (p.Ala1518Thr). This variant is not present in population databases (gnomAD no frequency). This variant has not been reported in the literature in individuals affected with MYH11-related conditions. ClinVar contains an entry for this variant (Variation ID: 1172401). Invitae Evidence Modeling of protein sequence and biophysical properties (such as structural, functional, and spatial information, amino acid conservation, physicochemical variation, residue mobility, and thermodynamic stability) indicates that this missense variant is not expected to disrupt MYH11 protein function with a negative predictive value of 95%. In summary, the available evidence is currently insufficient to determine the role of this variant in disease. Therefore, it has been classified as a Variant of Uncertain Significance.

Women's Health and Genetics/Laboratory Corporation of America, LabCorp
Classification: Uncertain significance. Last evaluated: 2025-05-05. Review status: criteria provided, single submitter. Criteria: LabCorp Variant Classification Summary - May 2015. Collection method: clinical testing. Allele origin: germline.

Color Diagnostics, LLC DBA Color Health
Classification: Uncertain significance for Familial thoracic aortic aneurysm and aortic dissection. Last evaluated: 2024-03-06. Review status: criteria provided, single submitter. Criteria: ACMG Guidelines, 2015. Collection method: clinical testing. Allele origin: germline.
Comment: This missense variant replaces alanine with threonine at codon 1518 of the MYH11 protein. Computational prediction suggests that this variant may not impact protein structure and function (internally defined REVEL score threshold <= 0.5, PMID: 27666373). To our knowledge, functional studies have not been reported for this variant. This variant has not been reported in individuals affected with MYH11-related disorders in the literature. This variant has not been identified in the general population by the Genome Aggregation Database (gnomAD). The available evidence is insufficient to determine the role of this variant in disease conclusively. Therefore, this variant is classified as a Variant of Uncertain Significance.

All of Us Research Program, National Institutes of Health
Classification: Uncertain significance for Familial thoracic aortic aneurysm and aortic dissection. Last evaluated: 2023-05-04. Review status: criteria provided, single submitter. Criteria: ACMG Guidelines, 2015. Collection method: clinical testing. Allele origin: germline. Inheritance: Autosomal dominant inheritance. Observed: 1 variant allele, 1 heterozygote.
Comment: This missense variant replaces alanine with threonine at codon 1518 of the MYH11 protein. Computational prediction suggests that this variant may not impact protein structure and function (internally defined REVEL score threshold <= 0.5, PMID: 27666373). To our knowledge, functional studies have not been reported for this variant. This variant has not been reported in individuals affected with cardiovascular disorders in the literature. This variant has not been identified in the general population by the Genome Aggregation Database (gnomAD). The available evidence is insufficient to determine the role of this variant in disease conclusively. Therefore, this variant is classified as a Variant of Uncertain Significance.

This study involves interpretation of variants in research participants for the purpose of population health screening. Participant phenotype was not available at the time of variant classification. Additional details can be found in publication PMID: 35346344, PMCID: PMC8962531

Revvity Omics, Revvity
Classification: Uncertain significance. Last evaluated: 2022-09-02. Review status: criteria provided, single submitter. Criteria: ACMG Guidelines, 2015. Collection method: clinical testing. Allele origin: germline.

Ambry Genetics
Classification: Uncertain significance for Familial thoracic aortic aneurysm and aortic dissection. Last evaluated: 2021-09-30. Review status: criteria provided, single submitter. Criteria: Ambry Variant Classification Scheme 2023. Collection method: clinical testing. Allele origin: germline.
Comment: The p.A1511T variant (also known as c.4531G>A), located in coding exon 31 of the MYH11 gene, results from a G to A substitution at nucleotide position 4531. The alanine at codon 1511 is replaced by threonine, an amino acid with similar properties. This amino acid position is conserved. In addition, this alteration is predicted to be tolerated by in silico analysis. Since supporting evidence is limited at this time, the clinical significance of this alteration remains unclear.

NM_002474.3(MYH11):c.4531G>A (p.Ala1511Thr)

Genes: NDE1 (nudE neurodevelopment protein 1; plus strand), MYH11 (myosin heavy chain 11; minus strand). Cytogenetic location: 16p13.11.
Variant type: single nucleotide variant.
Coding change: c.4531G>A on transcript NM_002474.3 (MANE Select); coding-DNA position 4531, G replaced by A.
Protein change: p.Ala1511Thr; replaces alanine 1511 with threonine.
Molecular consequence: missense variant. On other transcripts: intron variant (2).
Genome position (GRCh38, 1-based): chr16:15,721,469, C>T on the plus strand (G>A on the coding strand, the complement: MYH11 is on the minus strand). VCF-style: chr16-15721469-C-T. GRCh37 (hg19) VCF-style: chr16-15815326-C-T.
Other names: c.4552G>A, p.Ala1518Thr (NM_001040113.2, NM_001040114.2); c.4531G>A, p.Ala1511Thr (NM_022844.3); c.948-2722C>T (NM_001143979.2, NM_017668.3); short protein forms A1511T, A1518T.
Identifiers: ClinVar variation 1172401 (VCV001172401.12), dbSNP rs2040479391, ClinGen allele CA394854979.